The following is an entry in ClinVar:

NM_000179.3(MSH6):c.1736G>A (p.Cys579Tyr)

Gene: MSH6 (mutS homolog 6; plus strand). Cytogenetic location: 2p16.3.
Variant type: single nucleotide variant.
Coding change: c.1736G>A on transcript NM_000179.3 (MANE Select); coding-DNA position 1736, G replaced by A.
Protein change: p.Cys579Tyr; replaces cysteine 579 with tyrosine.
Molecular consequence: missense variant. On other transcripts: non-coding transcript variant (4), intron variant (2).
Genome position (GRCh38, 1-based): chr2:47,799,719, G>A. VCF-style: chr2-47799719-G-A. GRCh37 (hg19) VCF-style: chr2-48026858-G-A.
Other names: c.1346G>A, p.Cys449Tyr (NM_001281492.2); c.830G>A, p.Cys277Tyr (NM_001281493.2, NM_001281494.2, NM_001406815.1 and 6 more transcripts); c.1439G>A, p.Cys480Tyr (NM_001406818.1, NM_001406819.1, NM_001406820.1 and 10 more transcripts); c.1568G>A, p.Cys523Tyr (NM_001406826.1); c.1606+130G>A (NM_001406817.1); c.628-947G>A (NM_001407362.1); c.1658G>A, p.Cys553Tyr (NM_001406804.1); c.1211G>A, p.Cys404Tyr (NM_001406806.1, NM_001406807.1, NM_001406799.1); and 3 more; short protein forms C277Y, C523Y, C553Y, C611Y, C581Y, C449Y, C579Y, C404Y.
Identifiers: ClinVar variation 5024932 (VCV005024932.1).
Genomic context (GRCh38, chr2:47,799,719, plus strand): 5'-GCTTTGTTGATACTTCACTGGGAAAGTTTTTCATAGGTCAGTTTTCAGATGATCGCCATT[G>A]TTCGAGATTTAGGACTCTAGTGGCACACTATCCCCCAGTACAAGTTTTATTTGAAAAAGG-3'
Protein context (NP_000170.1, residues 569-589): FIGQFSDDRH[Cys579Tyr]SRFRTLVAHY

ClinVar aggregate classification (germline): Uncertain significance (1 of 4 stars; one submission).

Conditions:
Hereditary cancer-predisposing syndrome. Also called: Neoplastic Syndromes, Hereditary; Tumor predisposition; Hereditary neoplastic syndrome; Hereditary Cancer Syndrome. Identifiers: Orphanet 140162, MedGen C0027672, MeSH D009386, MONDO:0015356.

Submission:

Ambry Genetics
Classification: Uncertain significance for Hereditary cancer-predisposing syndrome. Last evaluated: 2026-08-15. Review status: criteria provided, single submitter. Criteria: Ambry Variant Classification Scheme 2023. Collection method: clinical testing. Allele origin: germline.
Comment: The p.C579Y variant (also known as c.1736G>A), located in coding exon 4 of the MSH6 gene, results from a G to A substitution at nucleotide position 1736. The cysteine at codon 579 is replaced by tyrosine, an amino acid with highly dissimilar properties. This amino acid position is conserved. In addition, this alteration is predicted to be deleterious by in silico analysis. Based on the available evidence, the clinical significance of this variant remains unclear.